The following is an entry in ClinVar:

ClinVar aggregate classification (germline): Uncertain significance (1 of 4 stars; one submission).

Submission:

GeneDx
Classification: Uncertain significance. Last evaluated: 2025-08-11. Review status: criteria provided, single submitter. Criteria: GeneDx Variant Classification Process June 2021. Collection method: clinical testing. Allele origin: germline. Affected: yes.
Comment: Not observed at significant frequency in large population cohorts (gnomAD); In silico analysis supports that this missense variant has a deleterious effect on protein structure/function; Has not been previously published as pathogenic or benign to our knowledge; This substitution is predicted to be within the cytoplasmic loop between the first and second homologous domains

NM_001330260.2(SCN8A):c.1935C>G (p.Cys645Trp)

Gene: SCN8A (sodium voltage-gated channel alpha subunit 8; plus strand). Cytogenetic location: 12q13.13.
Variant type: single nucleotide variant.
Coding change: c.1935C>G on transcript NM_001330260.2 (MANE Select); coding-DNA position 1935, C replaced by G.
Protein change: p.Cys645Trp; replaces cysteine 645 with tryptophan.
Molecular consequence: missense variant.
Genome position (GRCh38, 1-based): chr12:51,721,845, C>G. VCF-style: chr12-51721845-C-G. GRCh37 (hg19) VCF-style: chr12-52115629-C-G.
Other names: c.1935C>G, p.Cys645Trp (NM_001177984.3, NM_001369788.1, NM_014191.4); short protein forms C645W.
Identifiers: ClinVar variation 4795758 (VCV004795758.1).